The following is an entry in ClinVar:

ClinVar aggregate classification (germline): Uncertain significance. Review status: criteria provided, multiple submitters, no conflicts (2 of 4 stars). 5 submissions from 5 submitters: Uncertain significance (5). Last evaluated 2025-03-21.

Conditions:
Intellectual disability, autosomal dominant 16 (CSS4). Also called: COFFIN-SIRIS SYNDROME 4. Identifiers: Orphanet 1465, MedGen C3553249, MONDO:0013821, OMIM 614609.
Rhabdoid tumor predisposition syndrome 2 (RTPS2). Identifiers: Orphanet 231108, Orphanet 69077, MedGen C2750074, MONDO:0013224, OMIM 613325.
Otosclerosis 12. Identifiers: MedGen C5935610, MONDO:0968980, OMIM 620792.
Hereditary cancer-predisposing syndrome. Also called: Hereditary neoplastic syndrome; Neoplastic Syndromes, Hereditary; Tumor predisposition; Hereditary Cancer Syndrome. Identifiers: Orphanet 140162, MedGen C0027672, MeSH D009386, MONDO:0015356.

Submissions (5):

Ambry Genetics
Classification: Uncertain significance for Hereditary cancer-predisposing syndrome. Last evaluated: 2025-03-21. Review status: criteria provided, single submitter. Criteria: Ambry Variant Classification Scheme 2023. Collection method: clinical testing. Allele origin: germline.
Comment: The p.H80R variant (also known as c.239A>G), located in coding exon 2 of the SMARCA4 gene, results from an A to G substitution at nucleotide position 239. The histidine at codon 80 is replaced by arginine, an amino acid with highly similar properties. This amino acid position is highly conserved in available vertebrate species. In addition, the in silico prediction for this alteration is inconclusive. Based on the available evidence, the clinical significance of this variant remains unclear.

Labcorp Genetics (formerly Invitae), Labcorp
Classification: Uncertain significance for Rhabdoid tumor predisposition syndrome 2. Last evaluated: 2024-09-30. Review status: criteria provided, single submitter. Criteria: Invitae Variant Classification Sherloc (09022015). Collection method: clinical testing. Allele origin: germline.
Comment: This sequence change replaces histidine, which is basic and polar, with arginine, which is basic and polar, at codon 80 of the SMARCA4 protein (p.His80Arg). This variant is not present in population databases (gnomAD no frequency). This variant has not been reported in the literature in individuals affected with SMARCA4-related conditions. ClinVar contains an entry for this variant (Variation ID: 1313230). Invitae Evidence Modeling of protein sequence and biophysical properties (such as structural, functional, and spatial information, amino acid conservation, physicochemical variation, residue mobility, and thermodynamic stability) has been performed for this missense variant. However, the output from this modeling did not meet the statistical confidence thresholds required to predict the impact of this variant on SMARCA4 protein function. In summary, the available evidence is currently insufficient to determine the role of this variant in disease. Therefore, it has been classified as a Variant of Uncertain Significance.

Fulgent Genetics
Classification: Uncertain significance for Rhabdoid tumor predisposition syndrome 2; Intellectual disability, autosomal dominant 16; Otosclerosis 12. Last evaluated: 2024-01-19. Review status: criteria provided, single submitter. Criteria: ACMG Guidelines, 2015. Collection method: clinical testing. Allele origin: germline.

Baylor Genetics
Classification: Uncertain significance for Rhabdoid tumor predisposition syndrome 2. Last evaluated: 2023-11-21. Review status: criteria provided, single submitter. Criteria: ACMG Guidelines, 2015. Collection method: clinical testing. Allele origin: unknown.

GeneDx
Classification: Uncertain significance. Last evaluated: 2020-10-12. Review status: criteria provided, single submitter. Criteria: GeneDx Variant Classification Process June 2021. Collection method: clinical testing. Allele origin: germline. Affected: yes.
Comment: Not observed in large population cohorts (Lek 2016); In silico analysis supports that this missense variant has a deleterious effect on protein structure/function; Has not been previously published as pathogenic or benign to our knowledge

NM_003072.5(SMARCA4):c.239A>G (p.His80Arg)

Gene: SMARCA4 (SWI/SNF related BAF chromatin remodeling complex subunit ATPase 4; plus strand). Cytogenetic location: 19p13.2.
Variant type: single nucleotide variant.
Coding change: c.239A>G on transcript NM_003072.5 (MANE Select); coding-DNA position 239, A replaced by G.
Protein change: p.His80Arg; replaces histidine 80 with arginine.
Molecular consequence: missense variant. On other transcripts: non-coding transcript variant (1).
Genome position (GRCh38, 1-based): chr19:10,985,289, A>G. VCF-style: chr19-10985289-A-G. GRCh37 (hg19) VCF-style: chr19-11095965-A-G.
Other names: c.239A>G (NM_001128849.2); c.239A>G, p.His80Arg (NM_001128844.3, NM_001128845.2, NM_001128846.2 and 5 more transcripts); short protein forms H80R.
Identifiers: ClinVar variation 1313230 (VCV001313230.14), dbSNP rs2145748661, ClinGen allele CA404055109.